The following is an entry in ClinVar:

ClinVar aggregate classification (germline): Benign. Review status: criteria provided, multiple submitters, no conflicts (2 of 4 stars). 3 submissions from 3 submitters: Benign (2). 1 of the submissions does not count toward it. Last evaluated 2016-03-29.

Conditions:
HIVEP3-related disorder. Also called: HIVEP3-related condition.

Allele frequency attached by ClinVar (database versions not stated): 1000 Genomes Project 30x 0.97658; 1000 Genomes Project 0.97724; TOPMed 0.97728; ESP Exome Variant Server 0.97893; gnomAD 0.97940; ExAC 0.99344; gnomAD exomes 0.99404.
gnomAD v4.1: 1,542,196 of 1,548,154 alleles (100%); highest among the groups gnomAD compares: East Asian, 100%; 768,319 homozygotes.

Submissions (3):

Laboratory for Molecular Medicine, Mass General Brigham Personalized Medicine
Classification: Benign. Last evaluated: 2016-03-29. Review status: criteria provided, single submitter. Criteria: LMM Criteria. Collection method: clinical testing. Allele origin: germline.
Comment: Variant identified in a genome or exome case(s) and assessed due to predicted null impact of the variant or pathogenic assertions in the literature or databases. Disclaimer: This variant has not undergone full assessment. The following are preliminary notes: MAF

Breakthrough Genomics
Classification: Benign. Review status: criteria provided, single submitter. Criteria: ACMG Guidelines, 2015. Collection method: not provided. Allele origin: germline. Inheritance: Unknown mechanism. Affected: yes.

PreventionGenetics, part of Exact Sciences
Classification: Benign for HIVEP3-related condition. Last evaluated: 2022-03-23. Review status: no assertion criteria provided. Collection method: clinical testing. Allele origin: germline. Not counted in ClinVar's aggregate classification.
Comment: This variant is classified as benign based on ACMG/AMP sequence variant interpretation guidelines (Richards et al. 2015 PMID: 25741868, with internal and published modifications).

NM_024503.5(HIVEP3):c.3657G>A (p.Gln1219=)

Gene: HIVEP3 (HIVEP zinc finger 3; minus strand). Cytogenetic location: 1p34.2.
Variant type: single nucleotide variant.
Coding change: c.3657G>A on transcript NM_024503.5 (MANE Select); coding-DNA position 3657, G replaced by A.
Protein change: p.Gln1219=; no amino-acid change (glutamine 1219 retained).
Molecular consequence: synonymous variant.
Genome position (GRCh38, 1-based): chr1:41,581,141, C>T on the plus strand (G>A on the coding strand, the complement: HIVEP3 is on the minus strand). VCF-style: chr1-41581141-C-T. GRCh37 (hg19) VCF-style: chr1-42046812-C-T.
Other names: c.3657G>A, p.Gln1219= (NM_001127714.3).
Identifiers: ClinVar variation 402945 (VCV000402945.7), dbSNP rs2810565, ClinGen allele CA797824.